The following is an entry in ClinVar:

NM_000548.5(TSC2):c.4429A>G (p.Arg1477Gly)

Gene: TSC2 (TSC complex subunit 2; plus strand). Cytogenetic location: 16p13.3.
Variant type: single nucleotide variant.
Coding change: c.4429A>G on transcript NM_000548.5 (MANE Select); coding-DNA position 4429, A replaced by G.
Protein change: p.Arg1477Gly; replaces arginine 1477 with glycine.
Molecular consequence: missense variant.
Genome position (GRCh38, 1-based): chr16:2,084,651, A>G. VCF-style: chr16-2084651-A-G. GRCh37 (hg19) VCF-style: chr16-2134652-A-G.
Other names: c.4429A>G (NM_000548.3); c.4228A>G, p.Arg1410Gly (NM_001077183.3); c.4360A>G, p.Arg1454Gly (NM_001114382.3); c.4120A>G, p.Arg1374Gly (NM_001318827.2); c.4084A>G, p.Arg1362Gly (NM_001318829.2); c.3697A>G, p.Arg1233Gly (NM_001318831.2); c.4261A>G, p.Arg1421Gly (NM_001318832.2); c.4231A>G, p.Arg1411Gly (NM_001363528.2); and 2 more; short protein forms R1233G, R1421G, R1454G, R1374G, R1411G, R1433G, R1434G, R1362G.
Identifiers: ClinVar variation 1355707 (VCV001355707.7), dbSNP rs2090536576, ClinGen allele CA394302219.

ClinVar aggregate classification (germline): Uncertain significance. Review status: criteria provided, multiple submitters, no conflicts (2 of 4 stars). 2 submissions from 2 submitters: Uncertain significance (2). Last evaluated 2025-07-29.

Conditions:
Hereditary cancer-predisposing syndrome. Also called: Hereditary Cancer Syndrome; Hereditary neoplastic syndrome; Tumor predisposition; Neoplastic Syndromes, Hereditary. Identifiers: Orphanet 140162, MedGen C0027672, MeSH D009386, MONDO:0015356.
Tuberous sclerosis 2 (TSC2). Identifiers: Orphanet 805, MedGen C1860707, MONDO:0013199, OMIM 613254.

Allele frequency attached by ClinVar (database versions not stated): TOPMed below 0.00001.

Submissions (2):

Ambry Genetics
Classification: Uncertain significance for Hereditary cancer-predisposing syndrome. Last evaluated: 2025-07-29. Review status: criteria provided, single submitter. Criteria: Ambry Variant Classification Scheme 2023. Collection method: clinical testing. Allele origin: germline.
Comment: The p.R1477G variant (also known as c.4429A>G), located in coding exon 33 of the TSC2 gene, results from an A to G substitution at nucleotide position 4429. The arginine at codon 1477 is replaced by glycine, an amino acid with dissimilar properties. This amino acid position is conserved. In addition, this alteration is predicted to be deleterious by in silico analysis. Based on the available evidence, the clinical significance of this variant remains unclear.

Labcorp Genetics (formerly Invitae), Labcorp
Classification: Uncertain significance for Tuberous sclerosis 2. Last evaluated: 2021-09-19. Review status: criteria provided, single submitter. Criteria: Invitae Variant Classification Sherloc (09022015). Collection method: clinical testing. Allele origin: germline.
Comment: This sequence change replaces arginine with glycine at codon 1477 of the TSC2 protein (p.Arg1477Gly). The arginine residue is moderately conserved and there is a moderate physicochemical difference between arginine and glycine. This variant is not present in population databases (ExAC no frequency). This variant has not been reported in the literature in individuals affected with TSC2-related conditions. Advanced modeling of protein sequence and biophysical properties (such as structural, functional, and spatial information, amino acid conservation, physicochemical variation, residue mobility, and thermodynamic stability) performed at Invitae indicates that this missense variant is not expected to disrupt TSC2 protein function. In summary, the available evidence is currently insufficient to determine the role of this variant in disease. Therefore, it has been classified as a Variant of Uncertain Significance.